The following is an entry in ClinVar:

ClinVar aggregate classification (germline): Uncertain significance (1 of 4 stars; one submission).

Conditions:
Hereditary cancer-predisposing syndrome. Also called: Hereditary Cancer Syndrome; Hereditary neoplastic syndrome; Neoplastic Syndromes, Hereditary; Tumor predisposition. Identifiers: Orphanet 140162, MedGen C0027672, MeSH D009386, MONDO:0015356.

Submission:

Ambry Genetics
Classification: Uncertain significance for Hereditary cancer-predisposing syndrome. Last evaluated: 2021-11-02. Review status: criteria provided, single submitter. Criteria: Ambry Variant Classification Scheme 2023. Collection method: clinical testing. Allele origin: germline.
Comment: The p.R507K variant (also known as c.1520G>A), located in coding exon 4 of the MSH6 gene, results from a G to A substitution at nucleotide position 1520. The arginine at codon 507 is replaced by lysine, an amino acid with highly similar properties. This amino acid position is well conserved in available vertebrate species. In addition, this alteration is predicted to be tolerated by in silico analysis. Since supporting evidence is limited at this time, the clinical significance of this alteration remains unclear.

NM_000179.3(MSH6):c.1520G>A (p.Arg507Lys)

Gene: MSH6 (mutS homolog 6; plus strand). Cytogenetic location: 2p16.3.
Variant type: single nucleotide variant.
Coding change: c.1520G>A on transcript NM_000179.3 (MANE Select); coding-DNA position 1520, G replaced by A.
Protein change: p.Arg507Lys; replaces arginine 507 with lysine.
Molecular consequence: missense variant.
Genome position (GRCh38, 1-based): chr2:47,799,503, G>A. VCF-style: chr2-47799503-G-A. GRCh37 (hg19) VCF-style: chr2-48026642-G-A.
Other names: c.1223G>A, p.Arg408Lys (NM_001406828.1, NM_001406830.1, NM_001406797.1 and 10 more transcripts); c.614G>A, p.Arg205Lys (NM_001406829.1, NM_001281493.2, NM_001281494.2 and 6 more transcripts); c.1130G>A, p.Arg377Lys (NM_001281492.2); c.1616G>A, p.Arg539Lys (NM_001406795.1, NM_001406802.1); c.1520G>A, p.Arg507Lys (NM_001406796.1, NM_001406798.1, NM_001406800.1 and 4 more transcripts); c.995G>A, p.Arg332Lys (NM_001406799.1, NM_001406806.1, NM_001406807.1); c.1442G>A, p.Arg481Lys (NM_001406804.1); c.1526G>A, p.Arg509Lys (NM_001406813.1); and 1 more; short protein forms R377K, R408K, R451K, R539K, R481K, R332K, R509K, R205K.
Identifiers: ClinVar variation 1774419 (VCV001774419.2), dbSNP rs2104349227, ClinGen allele CA346746381.